The following is an entry in ClinVar:

ClinVar aggregate classification (germline): Conflicting classifications of pathogenicity. Review status: criteria provided, conflicting classifications (1 of 4 stars). 7 submissions from 7 submitters: Uncertain significance (5); Likely benign (1). 1 of the submissions does not count toward it. Last evaluated 2025-12-14.

Conditions:
Hereditary breast ovarian cancer syndrome. Also called: Hereditary breast and ovarian cancer syndrome; Hereditary breast and ovarian cancer syndrome (HBOC); BRCA1- and BRCA2-Associated Hereditary Breast and Ovarian Cancer; Breast and ovarian cancer; Hereditary breast and ovarian cancer; Hereditary breast and/or ovarian cancer syndrome. Identifiers: Orphanet 145, MedGen C0677776, MeSH D061325, MONDO:0003582. Disease mechanism: loss of function.
Breast-ovarian cancer, familial, susceptibility to, 1 (BROVCA1). Also called: OVARIAN CANCER, SUSCEPTIBILITY TO; BRCA1 Hereditary Breast and Ovarian Cancer. Identifiers: Orphanet 145, MedGen C2676676, MONDO:0011450, OMIM 604370. Disease mechanism: loss of function.
BRCA1-related cancer predisposition. Identifiers: MedGen CN377757, MONDO:0700268.
Hereditary cancer-predisposing syndrome. Also called: Hereditary Cancer Syndrome; Hereditary neoplastic syndrome; Tumor predisposition; Neoplastic Syndromes, Hereditary. Identifiers: Orphanet 140162, MedGen C0027672, MeSH D009386, MONDO:0015356.

Allele frequency attached by ClinVar (database versions not stated): gnomAD exomes below 0.00001.
gnomAD v4.1: 1 of 1,614,222 alleles (0.000062%); highest among the groups gnomAD compares: Non-Finnish European, 0.000085%; no homozygotes.

Submissions (7):

Labcorp Genetics (formerly Invitae), Labcorp
Classification: Uncertain significance for Hereditary breast ovarian cancer syndrome. Last evaluated: 2025-12-14. Review status: criteria provided, single submitter. Criteria: Invitae Variant Classification Sherloc (09022015). Collection method: clinical testing. Allele origin: germline.
Comment: This sequence change replaces glutamine, which is neutral and polar, with arginine, which is basic and polar, at codon 1327 of the BRCA1 protein (p.Gln1327Arg). This variant is not present in population databases (gnomAD no frequency). This variant has not been reported in the literature in individuals affected with BRCA1-related conditions. ClinVar contains an entry for this variant (Variation ID: 182079). Invitae Evidence Modeling of protein sequence and biophysical properties (such as structural, functional, and spatial information, amino acid conservation, physicochemical variation, residue mobility, and thermodynamic stability) indicates that this missense variant is expected to disrupt BRCA1 protein function with a positive predictive value of 80%. In summary, the available evidence is currently insufficient to determine the role of this variant in disease. Therefore, it has been classified as a Variant of Uncertain Significance.

Ambry Genetics
Classification: Uncertain significance for Hereditary cancer-predisposing syndrome. Last evaluated: 2025-08-29. Review status: criteria provided, single submitter. Criteria: Ambry Variant Classification Scheme 2023. Collection method: clinical testing. Allele origin: germline.

All of Us Research Program, National Institutes of Health
Classification: Uncertain significance for BRCA1-related cancer predisposition. Last evaluated: 2024-07-29. Review status: criteria provided, single submitter. Criteria: ACMG Guidelines, 2015. Collection method: clinical testing. Allele origin: germline. Inheritance: Autosomal dominant inheritance. Observed: 1 variant allele, 1 heterozygote.
Comment: This missense variant replaces glutamine with arginine at codon 1327 of the BRCA1 protein. Computational prediction is inconclusive regarding the impact of this variant on protein structure and function (internally defined REVEL score threshold 0.5 < inconclusive < 0.7, PMID: 27666373). Splice site prediction tools suggest that this variant may not impact RNA splicing. To our knowledge, functional studies have not been performed for this variant. This variant has not been reported in individuals affected with hereditary cancer in the literature. This variant has not been identified in the general population by the Genome Aggregation Database (gnomAD). The available evidence is insufficient to determine the role of this variant in disease conclusively. Therefore, this variant is classified as a Variant of Uncertain Significance.

This study involves interpretation of variants in research participants for the purpose of population health screening. Participant phenotype was not available at the time of variant classification. Additional details can be found in publication PMID: 35346344, PMCID: PMC8962531

Color Diagnostics, LLC DBA Color Health
Classification: Uncertain significance for Hereditary cancer-predisposing syndrome. Last evaluated: 2024-07-17. Review status: criteria provided, single submitter. Criteria: ACMG Guidelines, 2015. Collection method: clinical testing. Allele origin: germline.
Comment: This missense variant replaces glutamine with arginine at codon 1327 of the BRCA1 protein. Computational prediction is inconclusive regarding the impact of this variant on protein structure and function. To our knowledge, functional studies have not been reported for this variant. This variant has been detected in a breast cancer case-control meta-analysis in 2/60466 cases and 0/53461 unaffected individuals (PMID: 33471991; Leiden Open Variation Database DB-ID BRCA1_006292). This variant has not been identified in the general population by the Genome Aggregation Database (gnomAD). The available evidence is insufficient to determine the role of this variant in disease conclusively. Therefore, this variant is classified as a Variant of Uncertain Significance.

University of Washington Department of Laboratory Medicine, University of Washington
Classification: Likely benign for Hereditary cancer-predisposing syndrome. Last evaluated: 2023-03-23. Review status: criteria provided, single submitter. Criteria: Dines et al. (Genet Med. 2020). Collection method: curation. Allele origin: germline.
Comment: Missense variant in a coldspot region where missense variants are very unlikely to be pathogenic (PMID:31911673).

BRCA1 coldspot (exon 11 using historical exon numbering). Reclassification based on statistical prior probability

GeneDx
Classification: Uncertain significance. Last evaluated: 2019-07-12. Review status: criteria provided, single submitter. Criteria: GeneDx Variant Classification Process June 2021. Collection method: clinical testing. Allele origin: germline. Affected: yes.
Comment: Not observed in large population cohorts (Lek 2016); In silico analysis, which includes protein predictors and evolutionary conservation, supports that this variant does not alter protein structure/function; Has not been previously published as pathogenic or benign to our knowledge

Counsyl
Classification: Uncertain significance for Breast-ovarian cancer, familial, susceptibility to, 1. Last evaluated: 2017-01-05. Review status: no assertion criteria provided. Collection method: clinical testing. Allele origin: unknown. Not counted in ClinVar's aggregate classification.

Literature cited by the submitters: PubMed 33471991 (cited by Color Diagnostics, LLC DBA Color Health).

NM_007294.4(BRCA1):c.3980A>G (p.Gln1327Arg)

Genes: BRCA1 (BRCA1 DNA repair associated; minus strand), LOC126862571 (BRD4-independent group 4 enhancer GRCh37_chr17:41243136-41244335; plus strand). Cytogenetic location: 17q21.31.
Variant type: single nucleotide variant.
Coding change: c.3980A>G on transcript NM_007294.4 (MANE Select); coding-DNA position 3980, A replaced by G.
Protein change: p.Gln1327Arg; replaces glutamine 1327 with arginine.
Molecular consequence: missense variant. On other transcripts: intron variant (135).
Genome position (GRCh38, 1-based): chr17:43,091,551, T>C on the plus strand (A>G on the coding strand, the complement: BRCA1 is on the minus strand). VCF-style: chr17-43091551-T-C. GRCh37 (hg19) VCF-style: chr17-41243568-T-C.
Other names: c.3767A>G, p.Gln1256Arg (NM_001407571.1, NM_001407853.1, NM_001407894.1 and 9 more transcripts); c.3980A>G, p.Gln1327Arg (NM_001407581.1, NM_001407582.1, NM_001407583.1 and 30 more transcripts); c.3977A>G, p.Gln1326Arg (NM_001407587.1, NM_001407590.1, NM_001407591.1 and 22 more transcripts); c.3971A>G, p.Gln1324Arg (NM_001407646.1, NM_001407647.1); c.3857A>G, p.Gln1286Arg (NM_001407648.1, NM_001407664.1, NM_001407665.1 and 19 more transcripts); c.3854A>G, p.Gln1285Arg (NM_001407649.1, NM_001407670.1, NM_001407671.1 and 11 more transcripts); c.3902A>G, p.Gln1301Arg (NM_001407653.1, NM_001407654.1, NM_001407655.1 and 4 more transcripts); c.3899A>G, p.Gln1300Arg (NM_001407659.1, NM_001407660.1, NM_001407661.1 and 1 more transcripts); and 41 more; short protein forms Q1327R, Q1280R, Q1215R, Q1259R, Q1279R, Q1286R, Q1300R, Q1239R.
Identifiers: ClinVar variation 182079 (VCV000182079.32), dbSNP rs730881444, ClinGen allele CA002552.